The following is an entry in ClinVar:

NM_000384.3(APOB):c.12424C>A (p.Gln4142Lys)

Gene: APOB (apolipoprotein B; minus strand). Cytogenetic location: 2p24.1.
Variant type: single nucleotide variant.
Coding change: c.12424C>A on transcript NM_000384.3 (MANE Select); coding-DNA position 12424, C replaced by A.
Protein change: p.Gln4142Lys; replaces glutamine 4142 with lysine.
Molecular consequence: missense variant.
Genome position (GRCh38, 1-based): chr2:21,002,998, G>T on the plus strand (C>A on the coding strand, the complement: APOB is on the minus strand). VCF-style: chr2-21002998-G-T. GRCh37 (hg19) VCF-style: chr2-21225870-G-T.
Other names: short protein forms Q4142K.
Identifiers: ClinVar variation 4862708 (VCV004862708.1).
Genomic context (GRCh38, chr2:21,002,998, plus strand): 5'-CTTGGCCTTCCTGAGTCAACAGTTCCTGGTACAGATTCTGGGCCTTGTCCTTCCACTCTT[G>T]GTAGGTCCCAGTGGTGCCACTGGCTGCTTTCTGGAACCTCACGTCGATATCATCAATTTG-3'
Protein context (NP_000375.3, residues 4132-4152): KAASGTTGTY[Gln4142Lys]EWKDKAQNLY

ClinVar aggregate classification (germline): Uncertain significance (1 of 4 stars; one submission).

Conditions:
Cardiovascular phenotype. Identifiers: MedGen CN230736.

Submission:

Ambry Genetics
Classification: Uncertain significance for Cardiovascular phenotype. Last evaluated: 2026-05-23. Review status: criteria provided, single submitter. Criteria: Ambry Variant Classification Scheme 2023. Collection method: clinical testing. Allele origin: germline.
Comment: The p.Q4142K variant (also known as c.12424C>A), located in coding exon 29 of the APOB gene, results from a C to A substitution at nucleotide position 12424. The glutamine at codon 4142 is replaced by lysine, an amino acid with similar properties. This amino acid position is conserved. In addition, this alteration is predicted to be tolerated by in silico analysis. Based on the available evidence, the clinical significance of this variant remains unclear.